The following is an entry in ClinVar:

NM_000038.6(APC):c.5091A>G (p.Thr1697=)

Gene: APC (APC regulator of Wnt signaling pathway; plus strand). Cytogenetic location: 5q22.2.
Variant type: single nucleotide variant.
Coding change: c.5091A>G on transcript NM_000038.6 (MANE Select); coding-DNA position 5091, A replaced by G.
Protein change: p.Thr1697=; no amino-acid change (threonine 1697 retained).
Molecular consequence: synonymous variant. On other transcripts: non-coding transcript variant (2).
Genome position (GRCh38, 1-based): chr5:112,840,685, A>G. VCF-style: chr5-112840685-A-G. GRCh37 (hg19) VCF-style: chr5-112176382-A-G.
Other names: c.5091A>G, p.Thr1697= (NM_001127510.3, NM_001354895.2, NM_001407450.1); c.5037A>G, p.Thr1679= (NM_001127511.3); c.5145A>G, p.Thr1715= (NM_001354896.2, NM_001407447.1, NM_001407448.1 and 1 more transcripts); c.5121A>G, p.Thr1707= (NM_001354897.2); c.5016A>G, p.Thr1672= (NM_001354898.2); c.5007A>G, p.Thr1669= (NM_001354899.2); c.4968A>G, p.Thr1656= (NM_001354900.2); c.4914A>G, p.Thr1638= (NM_001354901.2, NM_001407453.1); and 11 more.
Identifiers: ClinVar variation 3148309 (VCV003148309.1), dbSNP rs1765844168, ClinGen allele CA446209570.

ClinVar aggregate classification (germline): Benign (1 of 4 stars; one submission).

Conditions:
Familial adenomatous polyposis 1 (FAP1). Also called: POLYPOSIS, ADENOMATOUS INTESTINAL; FAMILIAL ADENOMATOUS POLYPOSIS 1, ATTENUATED. Identifiers: MedGen C2713442, MONDO:0021056, OMIM 175100. Disease mechanism: loss of function.

gnomAD v4.1: 2 of 1,614,120 alleles (0.00012%); highest among the groups gnomAD compares: Non-Finnish European, 0.00017%; no homozygotes.

Submission:

Myriad Genetics, Inc.
Classification: Benign for Familial adenomatous polyposis 1. Last evaluated: 2024-03-28. Review status: criteria provided, single submitter. Criteria: Myriad Autosomal Dominant, Autosomal Recessive and X-Linked Classification Criteria (2023). Collection method: clinical testing. Allele origin: unknown.
Comment: This variant is considered benign. This variant is a silent/synonymous amino acid change and it is not expected to impact splicing.